The following is an entry in ClinVar:

NM_000053.4(ATP7B):c.51+1G>C

Gene: ATP7B (ATPase copper transporting beta; minus strand). Cytogenetic location: 13q14.3.
Variant type: single nucleotide variant.
Coding change: c.51+1G>C on transcript NM_000053.4 (MANE Select); the canonical splice donor site of the intron after coding-DNA position 51, G replaced by C.
Molecular consequence: splice donor variant.
Genome position (GRCh38, 1-based): chr13:52,011,286, C>G on the plus strand (G>C on the coding strand, the complement: ATP7B is on the minus strand). VCF-style: chr13-52011286-C-G. GRCh37 (hg19) VCF-style: chr13-52585422-C-G.
Other names: c.51+1G>C (NM_001406534.1, NM_001406538.1, NM_001330578.2 and 30 more transcripts); c.-137+1G>C (NM_001406518.1); c.-79+1G>C (NM_001406539.1, NM_001406543.1).
Identifiers: ClinVar variation 4528919 (VCV004528919.1).

ClinVar aggregate classification (germline): Likely pathogenic (1 of 4 stars; one submission).

Conditions:
Wilson disease (WND). Also called: Wilson's disease. Identifiers: Orphanet 905, MedGen C0019202, MONDO:0010200, OMIM 277900. Disease mechanism: loss of function.

Submission:

Dr. Moinak Lab, Sanjay Gandhi Postgraduate Institute of Medical Sciences
Classification: Likely pathogenic for Wilson disease. Last evaluated: 2024-05-15. Review status: criteria provided, single submitter. Criteria: ACMG Guidelines, 2015. Collection method: clinical testing. Allele origin: germline. Inheritance: Autosomal recessive inheritance. Affected: yes. Observed: 1 compound heterozygote.
Comment: ATP7B: c.51+1G>C is a novel intronic variant involving a single nucleotide substitution from G to C, which is located in intron 1. This variant may potentially affect normal splicing

Literature cited by the submitters: PubMed 20301685.